The following is an entry in ClinVar:

NM_005228.5(EGFR):c.2666G>C (p.Arg889Thr)

Gene: EGFR (epidermal growth factor receptor; plus strand). Cytogenetic location: 7p11.2.
Variant type: single nucleotide variant.
Coding change: c.2666G>C on transcript NM_005228.5 (MANE Select); coding-DNA position 2666, G replaced by C.
Protein change: p.Arg889Thr; replaces arginine 889 with threonine.
Molecular consequence: missense variant.
Genome position (GRCh38, 1-based): chr7:55,192,806, G>C. VCF-style: chr7-55192806-G-C. GRCh37 (hg19) VCF-style: chr7-55260499-G-C.
Other names: c.2531G>C, p.Arg844Thr (NM_001346897.2, NM_001346899.2); c.2666G>C, p.Arg889Thr (NM_001346898.2); c.2507G>C, p.Arg836Thr (NM_001346900.2); c.1865G>C, p.Arg622Thr (NM_001346941.2); short protein forms R844T, R622T, R836T, R889T.
Identifiers: ClinVar variation 4842925 (VCV004842925.1).

ClinVar aggregate classification (germline): Uncertain significance (1 of 4 stars; one submission).

Conditions:
Hereditary cancer-predisposing syndrome. Also called: Neoplastic Syndromes, Hereditary; Tumor predisposition; Hereditary Cancer Syndrome; Hereditary neoplastic syndrome. Identifiers: Orphanet 140162, MedGen C0027672, MeSH D009386, MONDO:0015356.

Submission:

Ambry Genetics
Classification: Uncertain significance for Hereditary cancer-predisposing syndrome. Last evaluated: 2026-01-05. Review status: criteria provided, single submitter. Criteria: Ambry Variant Classification Scheme 2023. Collection method: clinical testing. Allele origin: germline.
Comment: The p.R889T variant (also known as c.2666G>C), located in coding exon 22 of the EGFR gene, results from a G to C substitution at nucleotide position 2666. The arginine at codon 889 is replaced by threonine, an amino acid with similar properties. This amino acid position is conserved. In addition, this alteration is predicted to be deleterious by in silico analysis. Based on the available evidence, the clinical significance of this variant remains unclear.